The following is an entry in ClinVar:

NM_006922.4(SCN3A):c.101C>G (p.Ala34Gly)

Gene: SCN3A (sodium voltage-gated channel alpha subunit 3; minus strand). Cytogenetic location: 2q24.3.
Variant type: single nucleotide variant.
Coding change: c.101C>G on transcript NM_006922.4 (MANE Select); coding-DNA position 101, C replaced by G.
Protein change: p.Ala34Gly; replaces alanine 34 with glycine.
Molecular consequence: missense variant.
Genome position (GRCh38, 1-based): chr2:165,176,294, G>C on the plus strand (C>G on the coding strand, the complement: SCN3A is on the minus strand). VCF-style: chr2-165176294-G-C. GRCh37 (hg19) VCF-style: chr2-166032804-G-C.
Other names: c.101C>G, p.Ala34Gly (NM_001081676.2, NM_001081677.2); short protein forms A34G.
Identifiers: ClinVar variation 864072 (VCV000864072.9), dbSNP rs1690454924, ClinGen allele CA349241071.

ClinVar aggregate classification (germline): Uncertain significance. Review status: criteria provided, multiple submitters, no conflicts (2 of 4 stars). 3 submissions from 3 submitters: Uncertain significance (3). Last evaluated 2025-06-01.

Conditions:
Inborn genetic diseases. Identifiers: MedGen C0950123, MeSH D030342.

Allele frequency attached by ClinVar (database versions not stated): TOPMed below 0.00001.

Submissions (3):

Labcorp Genetics (formerly Invitae), Labcorp
Classification: Uncertain significance. Last evaluated: 2025-06-01. Review status: criteria provided, single submitter. Criteria: Invitae Variant Classification Sherloc (09022015). Collection method: clinical testing. Allele origin: germline.
Comment: This sequence change replaces alanine, which is neutral and non-polar, with glycine, which is neutral and non-polar, at codon 34 of the SCN3A protein (p.Ala34Gly). This variant is not present in population databases (gnomAD no frequency). This variant has not been reported in the literature in individuals affected with SCN3A-related conditions. ClinVar contains an entry for this variant (Variation ID: 864072). Invitae Evidence Modeling of protein sequence and biophysical properties (such as structural, functional, and spatial information, amino acid conservation, physicochemical variation, residue mobility, and thermodynamic stability) indicates that this missense variant is not expected to disrupt SCN3A protein function with a negative predictive value of 80%. In summary, the available evidence is currently insufficient to determine the role of this variant in disease. Therefore, it has been classified as a Variant of Uncertain Significance.

GeneDx
Classification: Uncertain significance. Last evaluated: 2025-02-04. Review status: criteria provided, single submitter. Criteria: GeneDx Variant Classification Process June 2021. Collection method: clinical testing. Allele origin: germline. Affected: yes.
Comment: Not observed at significant frequency in large population cohorts (gnomAD); In silico analysis supports that this missense variant has a deleterious effect on protein structure/function; Has not been previously published as pathogenic or benign to our knowledge

Ambry Genetics
Classification: Uncertain significance for Inborn genetic diseases. Last evaluated: 2024-11-24. Review status: criteria provided, single submitter. Criteria: Ambry Variant Classification Scheme 2023. Collection method: clinical testing. Allele origin: germline.